The following is an entry in ClinVar:

ClinVar aggregate classification (germline): Benign/Likely benign. Review status: criteria provided, multiple submitters, no conflicts (2 of 4 stars). 4 submissions from 4 submitters: Benign (2); Likely benign (1). 1 of the submissions does not count toward it. Last evaluated 2021-12-02.

Conditions:
Malignant tumor of esophagus. Also called: Esophageal cancer; Esophageal cancer, somatic. Identifiers: Orphanet 99977, MedGen C0546837, MONDO:0007576, OMIM 133239.
Mirror movements 1 (MRMV1). Identifiers: Orphanet 238722, MedGen C1834870, OMIM 157600, MONDO:0008002.
Colorectal cancer. Also called: Colorectal cancer, somatic; Malignant Colorectal Neoplasm. Identifiers: MedGen C0346629, MONDO:0005575, OMIM 114500.
Gaze palsy, familial horizontal, with progressive scoliosis, 2. Also called: GAZE PALSY, FAMILIAL HORIZONTAL, WITH PROGRESSIVE SCOLIOSIS 2, WITH IMPAIRED INTELLECTUAL DEVELOPMENT; DEVELOPMENTAL SPLIT-BRAIN SYNDROME. Identifiers: MedGen C4479640, MONDO:0054602, OMIM 617542.
DCC-related disorder. Also called: DCC-related condition.

Allele frequency attached by ClinVar (database versions not stated): ESP Exome Variant Server 0.00377; 1000 Genomes Project 30x 0.00515; 1000 Genomes Project 0.00519; TOPMed 0.00528; gnomAD exomes 0.00533 and 0.00764; gnomAD 0.00534 and 0.00539; ExAC 0.00675.
gnomAD v4.1: 8,609 of 1,613,656 alleles (0.53%); highest among the groups gnomAD compares: Admixed American, 2.5%; 47 homozygotes.

Submissions (4):

Fulgent Genetics
Classification: Likely benign for Colorectal cancer; Malignant tumor of esophagus; Mirror movements 1; Gaze palsy, familial horizontal, with progressive scoliosis, 2. Last evaluated: 2021-12-02. Review status: criteria provided, single submitter. Criteria: ACMG Guidelines, 2015. Collection method: clinical testing. Allele origin: unknown.

Labcorp Genetics (formerly Invitae), Labcorp
Classification: Benign. Last evaluated: 2019-12-31. Review status: criteria provided, single submitter. Criteria: Invitae Variant Classification Sherloc (09022015). Collection method: clinical testing. Allele origin: germline.

Breakthrough Genomics
Classification: Benign. Review status: criteria provided, single submitter. Criteria: ACMG Guidelines, 2015. Collection method: not provided. Allele origin: germline. Inheritance: Autosomal recessive inheritance. Affected: yes.

PreventionGenetics, part of Exact Sciences
Classification: Benign for DCC-related condition. Last evaluated: 2019-03-04. Review status: no assertion criteria provided. Collection method: clinical testing. Allele origin: germline. Not counted in ClinVar's aggregate classification.
Comment: This variant is classified as benign based on ACMG/AMP sequence variant interpretation guidelines (Richards et al. 2015 PMID: 25741868, with internal and published modifications).

NM_005215.4(DCC):c.2053+9T>C

Gene: DCC (DCC netrin 1 receptor; plus strand). Cytogenetic location: 18q21.2.
Variant type: single nucleotide variant.
Coding change: c.2053+9T>C on transcript NM_005215.4 (MANE Select); 9 bases into the intron after coding-DNA position 2053, T replaced by C.
Molecular consequence: intron variant.
Genome position (GRCh38, 1-based): chr18:53,305,728, T>C. VCF-style: chr18-53305728-T-C. GRCh37 (hg19) VCF-style: chr18-50832098-T-C.
Identifiers: ClinVar variation 778536 (VCV000778536.8), dbSNP rs186819956, ClinGen allele CA8967067.